The following is an entry in ClinVar:

NM_001042492.3(NF1):c.6343_6344dup (p.Leu2116fs)

Gene: NF1 (neurofibromin 1; plus strand). Cytogenetic location: 17q11.2.
Variant type: Duplication.
Coding change: c.6343_6344dup on transcript NM_001042492.3 (MANE Select); coding-DNA positions 6343 to 6344, 2 bases duplicated (CC; older notation c.6343_6344dupCC).
Protein change: p.Leu2116fs; shifts the reading frame from leucine 2116.
Molecular consequence: frameshift variant.
Genome position (GRCh38, 1-based): chr17:31,336,830-31,336,831, CC duplicated. VCF-style (leftmost placement, unchanged base first): chr17-31336829-T-TCC. GRCh37 (hg19) VCF-style: chr17-29663847-T-TCC.
Other names: c.6280_6281dup, p.Leu2095Argfs (NM_000267.4); short protein forms L2095fs, L2116fs.
Identifiers: ClinVar variation 2772281 (VCV002772281.3), dbSNP rs2508749615, ClinGen allele CA2697559652.

ClinVar aggregate classification (germline): Pathogenic (1 of 4 stars; one submission).

Conditions:
Neurofibromatosis, type 1 (NF1). Also called: VON RECKLINGHAUSEN DISEASE; Neurofibromatosis, type I; NEUROFIBROMATOSIS, TYPE I, SOMATIC; Peripheral type neurofibromatosis. Identifiers: Orphanet 636, MedGen C0027831, MONDO:0018975, OMIM 162200. Disease mechanism: loss of function.

Submission:

Labcorp Genetics (formerly Invitae), Labcorp
Classification: Pathogenic for Neurofibromatosis, type 1. Last evaluated: 2023-10-28. Review status: criteria provided, single submitter. Criteria: Invitae Variant Classification Sherloc (09022015). Collection method: clinical testing. Allele origin: germline.
Comment: This sequence change creates a premature translational stop signal (p.Leu2095Argfs*35) in the NF1 gene. It is expected to result in an absent or disrupted protein product. Loss-of-function variants in NF1 are known to be pathogenic (PMID: 10712197, 23913538). This variant is not present in population databases (gnomAD no frequency). This variant has not been reported in the literature in individuals affected with NF1-related conditions. For these reasons, this variant has been classified as Pathogenic.

Literature cited by the submitters: PubMed 10712197; PubMed 23913538.